The following is an entry in ClinVar:

ClinVar aggregate classification (germline): Likely benign. Review status: criteria provided, multiple submitters, no conflicts (2 of 4 stars). 2 submissions from 2 submitters: Likely benign (2). Last evaluated 2024-08-06.

Allele frequency attached by ClinVar (database versions not stated): TOPMed below 0.00001; gnomAD 0.00005; ExAC 0.00013.

Submissions (2):

Women's Health and Genetics/Laboratory Corporation of America, LabCorp
Classification: Likely benign. Last evaluated: 2024-08-06. Review status: criteria provided, single submitter. Criteria: LabCorp Variant Classification Summary - May 2015. Collection method: clinical testing. Allele origin: germline.
Comment: Variant summary: BMP1 c.2107+12C>G alters a non-conserved nucleotide located at a position not widely known to affect splicing. Consensus agreement among computation tools predict no significant impact on normal splicing. However, these predictions have yet to be confirmed by functional studies. The variant allele was found at a frequency of 9.7e-05 in 248536 control chromosomes. This frequency is not significantly higher than estimated for a pathogenic variant in BMP1 causing Osteogenesis Imperfecta (9.7e-05 vs 0.0011), allowing no conclusion about variant significance. To our knowledge, no occurrence of c.2107+12C>G in individuals affected with Osteogenesis Imperfecta and no experimental evidence demonstrating its impact on protein function have been reported. ClinVar contains an entry for this variant (Variation ID: 1918011). Based on the evidence outlined above, the variant was classified as likely benign.

Labcorp Genetics (formerly Invitae), Labcorp
Classification: Likely benign. Last evaluated: 2024-02-07. Review status: criteria provided, single submitter. Criteria: Invitae Variant Classification Sherloc (09022015). Collection method: clinical testing. Allele origin: germline.

NM_006129.5(BMP1):c.2107+12C>G

Gene: BMP1 (bone morphogenetic protein 1; plus strand). Cytogenetic location: 8p21.3.
Variant type: single nucleotide variant.
Coding change: c.2107+12C>G on transcript NM_006129.5 (MANE Select); 12 bases into the intron after coding-DNA position 2107, C replaced by G.
Molecular consequence: intron variant.
Genome position (GRCh38, 1-based): chr8:22,197,432, C>G. VCF-style: chr8-22197432-C-G. GRCh37 (hg19) VCF-style: chr8-22054945-C-G.
Other names: c.2107+12C>G (NM_001199.4).
Identifiers: ClinVar variation 1918011 (VCV001918011.6), dbSNP rs750095854, ClinGen allele CA4664929.